The following is an entry in ClinVar:

ClinVar aggregate classification (germline): Uncertain significance (1 of 4 stars; one submission).

Conditions:
DICER1-related tumor predisposition. Also called: DICER1 syndrome; DICER1-related pleuropulmonary blastoma cancer predisposition syndrome. Identifiers: Orphanet 284343, MedGen C3839822, MONDO:0100216.

Submission:

Labcorp Genetics (formerly Invitae), Labcorp
Classification: Uncertain significance for DICER1-related tumor predisposition. Last evaluated: 2022-11-15. Review status: criteria provided, single submitter. Criteria: Invitae Variant Classification Sherloc (09022015). Collection method: clinical testing. Allele origin: germline.
Comment: In summary, the available evidence is currently insufficient to determine the role of this variant in disease. Therefore, it has been classified as a Variant of Uncertain Significance. Advanced modeling of protein sequence and biophysical properties (such as structural, functional, and spatial information, amino acid conservation, physicochemical variation, residue mobility, and thermodynamic stability) performed at Invitae indicates that this missense variant is not expected to disrupt DICER1 protein function. This variant has not been reported in the literature in individuals affected with DICER1-related conditions. This variant is not present in population databases (gnomAD no frequency). This sequence change replaces glutamic acid, which is acidic and polar, with glycine, which is neutral and non-polar, at codon 123 of the DICER1 protein (p.Glu123Gly).

NM_177438.3(DICER1):c.368A>G (p.Glu123Gly)

Gene: DICER1 (dicer 1, ribonuclease III; minus strand). Cytogenetic location: 14q32.13.
Variant type: single nucleotide variant.
Coding change: c.368A>G on transcript NM_177438.3 (MANE Select); coding-DNA position 368, A replaced by G.
Protein change: p.Glu123Gly; replaces glutamic acid 123 with glycine.
Molecular consequence: missense variant. On other transcripts: 5 prime UTR variant (2), non-coding transcript variant (5), intron variant (6).
Genome position (GRCh38, 1-based): chr14:95,131,579, T>C on the plus strand (A>G on the coding strand, the complement: DICER1 is on the minus strand). VCF-style: chr14-95131579-T-C. GRCh37 (hg19) VCF-style: chr14-95597916-T-C.
Other names: c.368A>G, p.Glu123Gly (NM_001195573.1, NM_001271282.3, NM_001291628.2 and 15 more transcripts); c.86A>G, p.Glu29Gly (NM_001395686.1); c.-91A>G (NM_001395691.1); c.-1201A>G (NM_001395697.1); c.33+936A>G (NM_001395690.1, NM_001395687.1, NM_001395689.1 and 3 more transcripts); short protein forms E123G, E29G.
Identifiers: ClinVar variation 2814031 (VCV002814031.3), dbSNP rs2543341397, ClinGen allele CA390889138.
Genomic context (GRCh38, chr14:95,131,579, plus strand): 5'-GTAAACTCTTGGTTCCATCTCTCTTTTGTCCAAGATGCATTTACTTCTAGGTTTGAGTAT[T>C]CCCCAACCTTGAGATCTGAATGAGTTCTGACAGCTGACACTTGTTGAGCAACCTGGTTTG-3'
Protein context (NP_803187.1, residues 113-133): VRTHSDLKVG[Glu123Gly]YSNLEVNASW